The following is an entry in ClinVar:

ClinVar aggregate classification (germline): Uncertain significance (1 of 4 stars; one submission).

Conditions:
Finnish congenital nephrotic syndrome (NPHS1). Also called: NEPHROTIC SYNDROME, TYPE 1. Identifiers: Orphanet 839, MedGen C0403399, MONDO:0009732, OMIM 256300.

Allele frequency attached by ClinVar (database versions not stated): gnomAD exomes below 0.00001.
gnomAD v4.1: 3 of 1,613,776 alleles (0.00019%); highest among the groups gnomAD compares: African/African-American, 0.004%; no homozygotes.

Submission:

Myriad Genetics, Inc.
Classification: Uncertain significance for Finnish congenital nephrotic syndrome. Last evaluated: 2021-11-03. Review status: criteria provided, single submitter. Criteria: Myriad Women's Health Autosomal Recessive and X-Linked Classification Criteria (2021). Collection method: clinical testing. Allele origin: unknown.
Comment: NM_004646.3(NPHS1):c.146T>G(V49G) is a missense variant classified as a variant of uncertain significance in the context of nephrotic syndrome, NPHS1-related. V49G has not been observed in cases with relevant disease. Functional assessments of this variant are not available in the literature. V49G has not been observed in population frequency databases. In summary, there is insufficient evidence to classify NM_004646.3(NPHS1):c.146T>G(V49G) as pathogenic or benign. Please note: this variant was assessed in the context of healthy population screening.

NM_004646.4(NPHS1):c.146T>G (p.Val49Gly)

Genes: NPHS1 (NPHS1 adhesion molecule, nephrin; minus strand), KIRREL2 (kirre like nephrin family adhesion molecule 2; plus strand). Cytogenetic location: 19q13.12.
Variant type: single nucleotide variant.
Coding change: c.146T>G on transcript NM_004646.4 (MANE Select); coding-DNA position 146, T replaced by G.
Protein change: p.Val49Gly; replaces valine 49 with glycine.
Molecular consequence: missense variant.
Genome position (GRCh38, 1-based): chr19:35,851,585, A>C on the plus strand (T>G on the coding strand, the complement: NPHS1 is on the minus strand). VCF-style: chr19-35851585-A-C. GRCh37 (hg19) VCF-style: chr19-36342487-A-C.
Other names: short protein forms V49G.
Identifiers: ClinVar variation 1334163 (VCV001334163.3), dbSNP rs1973263497, ClinGen allele CA405412136.
Genomic context (GRCh38, chr19:35,851,585, plus strand): 5'-AGCCCATCTTTGGCCCATTGCACCGCACTGCCAGGGGTGCTGACCCCACAACGCAGCTCC[A>C]CTGAGGCCCCCTCCACCACCGTCAGGTTTTCAGGCAGGGCCCAGAAGCCCCGGGGAACGG-3'
Protein context (NP_004637.1, residues 39-59): ENLTVVEGAS[Val49Gly]ELRCGVSTPG